The following is an entry in ClinVar:

ClinVar aggregate classification (germline): not provided (0 of 4 stars; one submission).

Allele frequency attached by ClinVar (database versions not stated): gnomAD 0.00003; TOPMed 0.00008; 1000 Genomes Project 30x 0.00016; 1000 Genomes Project 0.00020.
gnomAD v4.1: 13 of 151,998 alleles (0.0086%); highest among the groups gnomAD compares: African/African-American, 0.022%; no homozygotes.

Submission:

Human Evolutionary Genetics, Institut Pasteur
No classification provided. Review status: no classification provided. Collection method: not provided. Allele origin: germline.
ClinVar note: Converted during submission from untested to not provided.

NM_017852.5(NLRP2):c.280+220C>T

Gene: NLRP2 (NLR family pyrin domain containing 2; plus strand). Cytogenetic location: 19q13.42.
Variant type: single nucleotide variant.
Coding change: c.280+220C>T on transcript NM_017852.5 (MANE Select); 220 bases into the intron after coding-DNA position 280, C replaced by T.
Molecular consequence: intron variant.
Genome position (GRCh38, 1-based): chr19:54,970,515, C>T. VCF-style: chr19-54970515-C-T. GRCh37 (hg19) VCF-style: chr19-55481883-C-T.
Other names: c.280+220C>T (NM_001174081.3, NM_001348003.2, NM_001174082.3); c.211+220C>T (NM_001174083.2).
Identifiers: ClinVar variation 103060 (VCV000103060.2), dbSNP rs199475708, ClinGen allele CA230050.
Genomic context (GRCh38, chr19:54,970,515, plus strand): 5'-CAGCCTGACCAACATGGTGATGAAACAGCATCTCTACTAAAAATACAAAAATTTGCTGGA[C>T]GTGGTGGCAGACACCTGTAATCCCAGCTACTCCGGGAGGCTGAGGCAGGAGAATCACTTA-3'